The following is an entry in ClinVar:

NM_001190274.2(FBXO11):c.443-1G>T

Gene: FBXO11 (F-box protein 11; minus strand). Cytogenetic location: 2p16.3.
Variant type: single nucleotide variant.
Coding change: c.443-1G>T on transcript NM_001190274.2 (MANE Select); the canonical splice acceptor site of the intron before coding-DNA position 443, G replaced by T.
Molecular consequence: splice acceptor variant.
Genome position (GRCh38, 1-based): chr2:47,839,004, C>A on the plus strand (G>T on the coding strand, the complement: FBXO11 is on the minus strand). VCF-style: chr2-47839004-C-A. GRCh37 (hg19) VCF-style: chr2-48066143-C-A.
Other names: NC_000002.11:g.48066143C>A; c.191-1G>T (NM_001374325.1, NM_025133.4).
Identifiers: ClinVar variation 3898541 (VCV003898541.8).

ClinVar aggregate classification (germline): Likely pathogenic (1 of 4 stars; one submission).

Submissions (2):

CeGaT Center for Human Genetics Tuebingen
Classification: Likely pathogenic. Last evaluated: 2025-06-01. Review status: criteria provided, single submitter. Criteria: CeGaT Center For Human Genetics Tuebingen Variant Classification Criteria Version 2. Collection method: clinical testing. Allele origin: germline. Affected: yes. Observed: 3 variant alleles.
Comment: FBXO11: PVS1:Strong, PM2

Dr. Peter K. Rogan Lab, Western University
No classification provided (evidence only). Condition: Ovarian serous cystadenocarcinoma. Review status: no classification provided. Collection method: in vitro. Allele origin: not applicable. Functional consequence: retained intron. Not counted in ClinVar's aggregate classification.